The following is an entry in ClinVar:

ClinVar aggregate classification (germline): Uncertain significance. Review status: criteria provided, multiple submitters, no conflicts (2 of 4 stars). 2 submissions from 2 submitters: Uncertain significance (2). Last evaluated 2025-10-06.

Allele frequency attached by ClinVar (database versions not stated): ExAC 0.00001; TOPMed 0.00001.
gnomAD v4.1: 13 of 1,614,184 alleles (0.00081%); highest among the groups gnomAD compares: East Asian, 0.0022%; no homozygotes.

Submissions (2):

Ambry Genetics
Classification: Uncertain significance. Last evaluated: 2025-10-06. Review status: criteria provided, single submitter. Criteria: Ambry Variant Classification Scheme 2023. Collection method: clinical testing. Allele origin: germline.

Labcorp Genetics (formerly Invitae), Labcorp
Classification: Uncertain significance. Last evaluated: 2024-12-24. Review status: criteria provided, single submitter. Criteria: Invitae Variant Classification Sherloc (09022015). Collection method: clinical testing. Allele origin: germline.
Comment: This sequence change replaces arginine, which is basic and polar, with glutamine, which is neutral and polar, at codon 577 of the RNF31 protein (p.Arg577Gln). This variant is present in population databases (rs777260312, gnomAD 0.0009%). This variant has not been reported in the literature in individuals affected with RNF31-related conditions. ClinVar contains an entry for this variant (Variation ID: 3001776). An algorithm developed to predict the effect of missense changes on protein structure and function (PolyPhen-2) suggests that this variant is likely to be disruptive. In summary, the available evidence is currently insufficient to determine the role of this variant in disease. Therefore, it has been classified as a Variant of Uncertain Significance.

NM_017999.5(RNF31):c.1730G>A (p.Arg577Gln)

Gene: RNF31 (ring finger protein 31; plus strand). Cytogenetic location: 14q12.
Variant type: single nucleotide variant.
Coding change: c.1730G>A on transcript NM_017999.5 (MANE Select); coding-DNA position 1730, G replaced by A.
Protein change: p.Arg577Gln; replaces arginine 577 with glutamine.
Molecular consequence: missense variant.
Genome position (GRCh38, 1-based): chr14:24,151,372, G>A. VCF-style: chr14-24151372-G-A. GRCh37 (hg19) VCF-style: chr14-24620581-G-A.
Other names: c.1277G>A, p.Arg426Gln (NM_001310332.2); c.1730G>A (NM_017999.4); short protein forms R426Q, R577Q.
Identifiers: ClinVar variation 3001776 (VCV003001776.4), dbSNP rs777260312, ClinGen allele CA7125854.
Genomic context (GRCh38, chr14:24,151,372, plus strand): 5'-CCTGGCTGGATCGTCATGGCAACCTTGATGAAGCTGTGGAGGAGTGTGTGAGGACCAGGC[G>A]AAGGAAGGTATCAGCTGTGCTGGATATGGGATAGGGTCGAGAGTCTGCATCTCTCACACT-3'
Protein context (NP_060469.4, residues 567-587): EAVEECVRTR[Arg577Gln]RKVQELQSLG